The following is an entry in ClinVar:

NM_001371986.1(UNC80):c.476G>A (p.Gly159Glu)

Gene: UNC80 (unc-80 homolog, NALCN channel complex subunit; plus strand). Cytogenetic location: 2q34.
Variant type: single nucleotide variant.
Coding change: c.476G>A on transcript NM_001371986.1 (MANE Select); coding-DNA position 476, G replaced by A.
Protein change: p.Gly159Glu; replaces glycine 159 with glutamic acid.
Molecular consequence: missense variant.
Genome position (GRCh38, 1-based): chr2:209,777,435, G>A. VCF-style: chr2-209777435-G-A. GRCh37 (hg19) VCF-style: chr2-210642159-G-A.
Other names: c.476G>A, p.Gly159Glu (NM_032504.2, NM_182587.4); short protein forms G159E.
Identifiers: ClinVar variation 2057799 (VCV002057799.2), dbSNP rs1387561998, ClinGen allele CA350131284.

ClinVar aggregate classification (germline): Uncertain significance. Review status: criteria provided, multiple submitters, no conflicts (2 of 4 stars). 2 submissions from 2 submitters: Uncertain significance (2). Last evaluated 2022-12-15.

Conditions:
Inborn genetic diseases. Identifiers: MedGen C0950123, MeSH D030342.

Allele frequency attached by ClinVar (database versions not stated): TOPMed 0.00002; gnomAD 0.00003.
gnomAD v4.1: 70 of 1,613,992 alleles (0.0043%); highest among the groups gnomAD compares: Non-Finnish European, 0.0056%; no homozygotes.

Submissions (2):

Ambry Genetics
Classification: Uncertain significance for Inborn genetic diseases. Last evaluated: 2022-12-15. Review status: criteria provided, single submitter. Criteria: Ambry Variant Classification Scheme 2023. Collection method: clinical testing. Allele origin: germline.

Labcorp Genetics (formerly Invitae), Labcorp
Classification: Uncertain significance. Last evaluated: 2022-03-15. Review status: criteria provided, single submitter. Criteria: Invitae Variant Classification Sherloc (09022015). Collection method: clinical testing. Allele origin: germline.
Comment: This sequence change replaces glycine, which is neutral and non-polar, with glutamic acid, which is acidic and polar, at codon 159 of the UNC80 protein (p.Gly159Glu). This variant is present in population databases (no rsID available, gnomAD 0.007%). This variant has not been reported in the literature in individuals affected with UNC80-related conditions. Algorithms developed to predict the effect of missense changes on protein structure and function are either unavailable or do not agree on the potential impact of this missense change (SIFT: "Not Available"; PolyPhen-2: "Probably Damaging"; Align-GVGD: "Not Available"). In summary, the available evidence is currently insufficient to determine the role of this variant in disease. Therefore, it has been classified as a Variant of Uncertain Significance.